The following is an entry in ClinVar:

NM_177438.3(DICER1):c.1061A>G (p.Lys354Arg)

Gene: DICER1 (dicer 1, ribonuclease III; minus strand). Cytogenetic location: 14q32.13.
Variant type: single nucleotide variant.
Coding change: c.1061A>G on transcript NM_177438.3 (MANE Select); coding-DNA position 1061, A replaced by G.
Protein change: p.Lys354Arg; replaces lysine 354 with arginine.
Molecular consequence: missense variant. On other transcripts: 5 prime UTR variant (1), non-coding transcript variant (6).
Genome position (GRCh38, 1-based): chr14:95,124,511, T>C on the plus strand (A>G on the coding strand, the complement: DICER1 is on the minus strand). VCF-style: chr14-95124511-T-C. GRCh37 (hg19) VCF-style: chr14-95590848-T-C.
Other names: c.1061A>G, p.Lys354Arg (NM_001291628.2, NM_001395677.1, NM_001395678.1 and 14 more transcripts); c.779A>G, p.Lys260Arg (NM_001395686.1); c.656A>G, p.Lys219Arg (NM_001395687.1, NM_001395688.1, NM_001395689.1 and 3 more transcripts); c.494A>G, p.Lys165Arg (NM_001395691.1); c.-508A>G (NM_001395697.1); short protein forms K219R, K165R, K260R, K354R.
Identifiers: ClinVar variation 3501864 (VCV003501864.1).

ClinVar aggregate classification (germline): Uncertain significance (1 of 4 stars; one submission).

Conditions:
Hereditary cancer-predisposing syndrome. Also called: Tumor predisposition; Neoplastic Syndromes, Hereditary; Hereditary Cancer Syndrome; Hereditary neoplastic syndrome. Identifiers: Orphanet 140162, MedGen C0027672, MeSH D009386, MONDO:0015356.

Submission:

Ambry Genetics
Classification: Uncertain significance for Hereditary cancer-predisposing syndrome. Last evaluated: 2024-07-27. Review status: criteria provided, single submitter. Criteria: Ambry Variant Classification Scheme 2023. Collection method: clinical testing. Allele origin: germline.
Comment: The p.K354R variant (also known as c.1061A>G), located in coding exon 7 of the DICER1 gene, results from an A to G substitution at nucleotide position 1061. The lysine at codon 354 is replaced by arginine, an amino acid with highly similar properties. This amino acid position is conserved. In addition, this alteration is predicted to be tolerated by in silico analysis. Based on the available evidence, the clinical significance of this variant remains unclear.